The following is an entry in ClinVar:

NM_001184.4(ATR):c.7918T>C (p.Trp2640Arg)

Gene: ATR (ATR serine/threonine kinase; minus strand). Cytogenetic location: 3q23.
Variant type: single nucleotide variant.
Coding change: c.7918T>C on transcript NM_001184.4 (MANE Select); coding-DNA position 7918, T replaced by C.
Protein change: p.Trp2640Arg; replaces tryptophan 2640 with arginine.
Molecular consequence: missense variant.
Genome position (GRCh38, 1-based): chr3:142,449,446, A>G on the plus strand (T>C on the coding strand, the complement: ATR is on the minus strand). VCF-style: chr3-142449446-A-G. GRCh37 (hg19) VCF-style: chr3-142168288-A-G.
Other names: c.7726T>C, p.Trp2576Arg (NM_001354579.2); short protein forms W2640R, W2576R.
Identifiers: ClinVar variation 3463307 (VCV003463307.1).

ClinVar aggregate classification (germline): Uncertain significance (1 of 4 stars; one submission).

Conditions:
Inborn genetic diseases. Identifiers: MedGen C0950123, MeSH D030342.

Submission:

Ambry Genetics
Classification: Uncertain significance for Inborn genetic diseases. Last evaluated: 2024-10-31. Review status: criteria provided, single submitter. Criteria: Ambry Variant Classification Scheme 2023. Collection method: clinical testing. Allele origin: germline.
Comment: The p.W2640R variant (also known as c.7918T>C), located in coding exon 47 of the ATR gene, results from a T to C substitution at nucleotide position 7918. The tryptophan at codon 2640 is replaced by arginine, an amino acid with dissimilar properties. This amino acid position is conserved. In addition, this alteration is predicted to be deleterious by in silico analysis. Based on the available evidence, the clinical significance of this variant remains unclear.